The following is an entry in ClinVar:

NM_201384.3(PLEC):c.9232G>A (p.Val3078Met)

Gene: PLEC (plectin; minus strand). Cytogenetic location: 8q24.3.
Variant type: single nucleotide variant.
Coding change: c.9232G>A on transcript NM_201384.3 (MANE Select); coding-DNA position 9232, G replaced by A.
Protein change: p.Val3078Met; replaces valine 3078 with methionine.
Molecular consequence: missense variant.
Genome position (GRCh38, 1-based): chr8:143,920,589, C>T on the plus strand (G>A on the coding strand, the complement: PLEC is on the minus strand). VCF-style: chr8-143920589-C-T. GRCh37 (hg19) VCF-style: chr8-144994757-C-T.
Other names: c.9190G>A, p.Val3064Met (NM_201378.4); c.9166G>A, p.Val3056Met (NM_201379.3); c.9643G>A, p.Val3215Met (NM_201380.4); c.9136G>A, p.Val3046Met (NM_201381.3); c.9232G>A, p.Val3078Met (NM_201382.4); c.9244G>A, p.Val3082Met (NM_201383.3); c.9313G>A, p.Val3105Met (NM_000445.5); c.9313G>A (NM_000445.4); short protein forms V3046M, V3105M, V3056M, V3215M, V3078M, V3064M, V3082M.
Identifiers: ClinVar variation 283093 (VCV000283093.8), dbSNP rs781825474, ClinGen allele CA4925028.

ClinVar aggregate classification (germline): Uncertain significance. Review status: criteria provided, multiple submitters, no conflicts (2 of 4 stars). 3 submissions from 3 submitters: Uncertain significance (2). 1 of the submissions does not count toward it. Last evaluated 2024-04-15.

Conditions:
PLEC-related disorder. Also called: PLEC-related condition; PLEC-related disorders.
Epidermolysis bullosa simplex 5B, with muscular dystrophy (EBS5B). Also called: EPIDERMOLYSIS BULLOSA SIMPLEX AND LIMB-GIRDLE MUSCULAR DYSTROPHY; Epidermolysis bullosa simplex with muscular dystrophy. Identifiers: Orphanet 257, MedGen C2931072, MONDO:0009181, OMIM 226670.
Epidermolysis bullosa simplex with nail dystrophy (EBS5D). Identifiers: MedGen C4225309, MONDO:0014661, OMIM 616487.
Autosomal recessive limb-girdle muscular dystrophy type 2Q (LGMDR17). Also called: MUSCULAR DYSTROPHY, LIMB-GIRDLE, AUTOSOMAL RECESSIVE 17. Identifiers: Orphanet 254361, MedGen C3150989, MONDO:0013390, OMIM 613723.
Epidermolysis bullosa simplex 5C, with pyloric atresia (EBS5C). Also called: PLEC1-Related Epidermolysis Bullosa with Pyloric Atresia; PLEC-Related Epidermolysis Bullosa with Pyloric Atresia; Epidermolysis bullosa simplex with pyloric atresia. Identifiers: Orphanet 158684, MedGen C2677349, MONDO:0012807, OMIM 612138.
Epidermolysis bullosa simplex, Ogna type (EBS5A). Also called: Pidermolysis bullosa simplex 5A, Ogna type; EPIDERMOLYSIS BULLOSA SIMPLEX 5A, OGNA TYPE. Identifiers: Orphanet 79401, MedGen C0432317, MONDO:0007555, OMIM 131950.

Allele frequency attached by ClinVar (database versions not stated): TOPMed below 0.00001; gnomAD exomes 0.00001 and 0.00002; ExAC 0.00002.

Submissions (3):

Labcorp Genetics (formerly Invitae), Labcorp
Classification: Uncertain significance for Autosomal recessive limb-girdle muscular dystrophy type 2Q; Epidermolysis bullosa simplex, Ogna type; Epidermolysis bullosa simplex with nail dystrophy; Epidermolysis bullosa simplex 5C, with pyloric atresia; Epidermolysis bullosa simplex 5B, with muscular dystrophy. Last evaluated: 2024-04-15. Review status: criteria provided, single submitter. Criteria: Invitae Variant Classification Sherloc (09022015). Collection method: clinical testing. Allele origin: germline.
Comment: This sequence change replaces valine, which is neutral and non-polar, with methionine, which is neutral and non-polar, at codon 3105 of the PLEC protein (p.Val3105Met). This variant is present in population databases (rs781825474, gnomAD 0.007%). This variant has not been reported in the literature in individuals affected with PLEC-related conditions. ClinVar contains an entry for this variant (Variation ID: 283093). An algorithm developed to predict the effect of missense changes on protein structure and function (PolyPhen-2) suggests that this variant is likely to be disruptive. In summary, the available evidence is currently insufficient to determine the role of this variant in disease. Therefore, it has been classified as a Variant of Uncertain Significance.

Eurofins Ntd Llc (ga)
Classification: Uncertain significance. Last evaluated: 2015-09-18. Review status: criteria provided, single submitter. Criteria: EGL Classification Definitions 2015. Collection method: clinical testing. Allele origin: germline. Observed: 1 variant allele, 1 heterozygote.

PreventionGenetics, part of Exact Sciences
Classification: Uncertain significance for PLEC-related condition. Last evaluated: 2024-07-25. Review status: no assertion criteria provided. Collection method: clinical testing. Allele origin: germline. Not counted in ClinVar's aggregate classification.
Comment: The PLEC c.9313G>A variant is predicted to result in the amino acid substitution p.Val3105Met. To our knowledge, this variant has not been reported in the literature. This variant is reported in 0.0068% of alleles in individuals of African descent in gnomAD. At this time, the clinical significance of this variant is uncertain due to the absence of conclusive functional and genetic evidence.